The following is an entry in ClinVar:

ClinVar aggregate classification (germline): Uncertain significance (1 of 4 stars; one submission).

Conditions:
Mendelian susceptibility to mycobacterial diseases due to complete IL12B deficiency. Also called: Immunodeficiency 29; IL12B DEFICIENCY. Identifiers: Orphanet 319558, MedGen C4013948, MONDO:0013954, OMIM 614890.

gnomAD v4.1: 1 of 1,611,866 alleles (0.000062%); highest among the groups gnomAD compares: Non-Finnish European, 0.000085%; no homozygotes.

Submission:

Labcorp Genetics (formerly Invitae), Labcorp
Classification: Uncertain significance for Mendelian susceptibility to mycobacterial diseases due to complete IL12B deficiency. Last evaluated: 2023-10-09. Review status: criteria provided, single submitter. Criteria: Invitae Variant Classification Sherloc (09022015). Collection method: clinical testing. Allele origin: germline.
Comment: This sequence change replaces valine, which is neutral and non-polar, with aspartic acid, which is acidic and polar, at codon 7 of the IL12B protein (p.Val7Asp). This variant is not present in population databases (gnomAD no frequency). This variant has not been reported in the literature in individuals affected with IL12B-related conditions. An algorithm developed to predict the effect of missense changes on protein structure and function (PolyPhen-2) suggests that this variant is likely to be tolerated. In summary, the available evidence is currently insufficient to determine the role of this variant in disease. Therefore, it has been classified as a Variant of Uncertain Significance.

NM_002187.3(IL12B):c.20T>A (p.Val7Asp)

Gene: IL12B (interleukin 12B; minus strand). Cytogenetic location: 5q33.3.
Variant type: single nucleotide variant.
Coding change: c.20T>A on transcript NM_002187.3 (MANE Select); coding-DNA position 20, T replaced by A.
Protein change: p.Val7Asp; replaces valine 7 with aspartic acid.
Molecular consequence: missense variant.
Genome position (GRCh38, 1-based): chr5:159,326,763, A>T on the plus strand (T>A on the coding strand, the complement: IL12B is on the minus strand). VCF-style: chr5-159326763-A-T. GRCh37 (hg19) VCF-style: chr5-158753771-A-T.
Other names: short protein forms V7D.
Identifiers: ClinVar variation 2767206 (VCV002767206.3), dbSNP rs1754197608, ClinGen allele CA362038671.